The following is an entry in ClinVar:

NM_017612.5(ZCCHC8):c.436del (p.Val146fs)

Gene: ZCCHC8 (zinc finger CCHC-type containing 8; minus strand). Cytogenetic location: 12q24.31.
Variant type: Deletion.
Coding change: c.436del on transcript NM_017612.5 (MANE Select); coding-DNA position 436, one base deleted (G; older notation c.436delG).
Protein change: p.Val146fs; shifts the reading frame from valine 146.
Molecular consequence: frameshift variant. On other transcripts: 5 prime UTR variant (2).
Genome position (GRCh38, 1-based): chr12:122,489,451, C deleted on the plus strand (G on the coding strand, the reverse complement: ZCCHC8 is on the minus strand). VCF-style (leftmost placement, unchanged base first): chr12-122489450-AC-A. GRCh37 (hg19) VCF-style: chr12-122973997-AC-A.
Other names: c.436del, p.Val146fs (NM_001350935.2); c.139del, p.Val47fs (NM_001350936.2); c.-109del (NM_001350937.2, NM_001350938.2); short protein forms V146fs, V47fs.
Identifiers: ClinVar variation 3679559 (VCV003679559.2).

ClinVar aggregate classification (germline): Uncertain significance (1 of 4 stars; one submission).

Submission:

Labcorp Genetics (formerly Invitae), Labcorp
Classification: Uncertain significance. Last evaluated: 2024-11-30. Review status: criteria provided, single submitter. Criteria: Invitae Variant Classification Sherloc (09022015). Collection method: clinical testing. Allele origin: germline.
Comment: This sequence change creates a premature translational stop signal (p.Val146Cysfs*2) in the ZCCHC8 gene. It is expected to result in an absent or disrupted protein product. However, the current clinical and genetic evidence is not sufficient to establish whether loss-of-function variants in ZCCHC8 cause disease. This variant is not present in population databases (gnomAD no frequency). This variant has not been reported in the literature in individuals affected with ZCCHC8-related conditions. In summary, the available evidence is currently insufficient to determine the role of this variant in disease. Therefore, it has been classified as a Variant of Uncertain Significance.